The following is an entry in ClinVar:

NM_000179.3(MSH6):c.3556+171G>C

Gene: MSH6 (mutS homolog 6; plus strand). Cytogenetic location: 2p16.3.
Variant type: single nucleotide variant.
Coding change: c.3556+171G>C on transcript NM_000179.3 (MANE Select); 171 bases into the intron after coding-DNA position 3556, G replaced by C.
Molecular consequence: intron variant.
Genome position (GRCh38, 1-based): chr2:47,805,198, G>C. VCF-style: chr2-47805198-G-C. GRCh37 (hg19) VCF-style: chr2-48032337-G-C.
Other names: c.3556+171G>C (NM_001406809.1, NM_001406796.1, NM_001406808.1 and 1 more transcripts); c.2650+171G>C (NM_001406811.1, NM_001406814.1, NM_001281493.2 and 6 more transcripts); c.3259+171G>C (NM_001406805.1, NM_001406797.1, NM_001406801.1 and 10 more transcripts); c.3652+171G>C (NM_001406795.1, NM_001406802.1); c.3562+171G>C (NM_001406813.1); c.3031+171G>C (NM_001406807.1, NM_001406799.1, NM_001406806.1); c.3382+171G>C (NM_001406798.1); c.2692+171G>C (NM_001406803.1); and 7 more.
Identifiers: ClinVar variation 4843687 (VCV004843687.1).

ClinVar aggregate classification (germline): Likely pathogenic (1 of 4 stars; one submission).

Conditions:
Hereditary cancer-predisposing syndrome. Also called: Neoplastic Syndromes, Hereditary; Tumor predisposition; Hereditary Cancer Syndrome; Hereditary neoplastic syndrome. Identifiers: Orphanet 140162, MedGen C0027672, MeSH D009386, MONDO:0015356.

Submission:

Ambry Genetics
Classification: Likely pathogenic for Hereditary cancer-predisposing syndrome. Last evaluated: 2026-02-13. Review status: criteria provided, single submitter. Criteria: Ambry Variant Classification Scheme 2023. Collection method: clinical testing. Allele origin: germline.
Comment: The c.3556+171G>C intronic variant results from a G to C substitution 171 nucleotides after coding exon 6 in the MSH6 gene. This variant has been identified in a proband whose Lynch syndrome-associated tumor demonstrated loss of MSH6 expression by immunohistochemistry (Li S et al. J. Med. Genet. 2020 Jan;57:62-69; Ambry internal data). This nucleotide position is well conserved in available vertebrate species. In silico splice site analysis predicts that this alteration will result in the creation or strengthening of a novel splice acceptor site. RNA studies have demonstrated that this variant results in abnormal splicing in the set of samples tested (Ambry internal data). Based on the majority of available evidence to date, this variant is likely to be pathogenic.